The following is an entry in ClinVar:

NM_000138.5(FBN1):c.4576T>C (p.Cys1526Arg)

Gene: FBN1 (fibrillin 1; minus strand). Cytogenetic location: 15q21.1.
Variant type: single nucleotide variant.
Coding change: c.4576T>C on transcript NM_000138.5 (MANE Select); coding-DNA position 4576, T replaced by C.
Protein change: p.Cys1526Arg; replaces cysteine 1526 with arginine.
Molecular consequence: missense variant.
Genome position (GRCh38, 1-based): chr15:48,468,418, A>G on the plus strand (T>C on the coding strand, the complement: FBN1 is on the minus strand). VCF-style: chr15-48468418-A-G. GRCh37 (hg19) VCF-style: chr15-48760615-A-G.
Other names: c.4576T>C, p.Cys1526Arg (NM_001406716.1); short protein forms C1526R.
Identifiers: ClinVar variation 2920902 (VCV002920902.4), dbSNP rs2505502965, ClinGen allele CA392353308.

ClinVar aggregate classification (germline): Pathogenic/Likely pathogenic. Review status: criteria provided, multiple submitters, no conflicts (2 of 4 stars). 2 submissions from 2 submitters: Pathogenic (1); Likely pathogenic (1). Last evaluated 2023-08-16.

Conditions:
Marfan syndrome (MFS). Also called: MARFAN SYNDROME, TYPE I; Marfan syndrome type 1; Marfan's syndrome; Marfan syndrome, classic; FBN1-Related Marfan Syndrome. Identifiers: Orphanet 284963, Orphanet 558, MedGen C0024796, MONDO:0007947, OMIM 154700.
Familial thoracic aortic aneurysm and aortic dissection (TAAD). Also called: Thoracic aortic aneurysms and dissections. Identifiers: Orphanet 91387, MedGen C4707243, MONDO:0019625.

Submissions (2):

Labcorp Genetics (formerly Invitae), Labcorp
Classification: Pathogenic for Marfan syndrome; Familial thoracic aortic aneurysm and aortic dissection. Last evaluated: 2023-08-16. Review status: criteria provided, single submitter. Criteria: Invitae Variant Classification Sherloc (09022015). Collection method: clinical testing. Allele origin: germline.
Comment: This variant affects a cysteine residue in the EGF-like, TGFBP or hybrid motif domains of FBN1. Cysteine residues are believed to be involved in intramolecular disulfide bridges and have been shown to be important for FBN1 protein structure (PMID: 16905551, 19349279). In addition, missense substitutions affecting cysteine residues within these domains are significantly overrepresented among patients with Marfan syndrome (PMID: 16571647, 17701892). This variant disrupts the p.Cys1526 amino acid residue in FBN1. Other variant(s) that disrupt this residue have been observed in individuals with FBN1-related conditions (PMID: 18087243, 19839986; Invitae), which suggests that this may be a clinically significant amino acid residue. For these reasons, this variant has been classified as Pathogenic. Advanced modeling of protein sequence and biophysical properties (such as structural, functional, and spatial information, amino acid conservation, physicochemical variation, residue mobility, and thermodynamic stability) performed at Invitae indicates that this missense variant is expected to disrupt FBN1 protein function. This sequence change replaces cysteine, which is neutral and slightly polar, with arginine, which is basic and polar, at codon 1526 of the FBN1 protein (p.Cys1526Arg). This variant is not present in population databases (gnomAD no frequency). This missense change has been observed in individual(s) with Marfan syndrome (Invitae).

ARUP Laboratories, Molecular Genetics and Genomics, ARUP Laboratories
Classification: Likely pathogenic. Last evaluated: 2023-04-17. Review status: criteria provided, single submitter. Criteria: ARUP Molecular Germline Variant Investigation Process 2024. Collection method: clinical testing. Allele origin: germline.
Comment: The FBN1 c.4576T>C; p.Cys1526Arg variant, to our knowledge, is not reported in the medical literature or gene specific databases. This variant is absent from the Genome Aggregation Database, indicating it is not a common polymorphism. Computational analyses predict that this variant is deleterious (REVEL: 0.961). This variant occurs in a cysteine residue in one of the calcium binding EGF-like domains of fibrillin-1 (Wu 1995). Each EGF-like domain contains six highly-conserved cysteines and the disulfide bridges formed between these residues are essential for protein folding; loss of one of these cysteines may interfere with proper disulfide bridge formation, disrupting protein structure. Accordingly, the revised Ghent nosology for Marfan syndrome lists missense variants of cysteine residues as one of the criteria for classification of a variant as pathogenic (Loeys 2010). Based on available information, this variant is considered to be likely pathogenic. References: Loeys et al. The revised Ghent nosology for the Marfan syndrome. J. Med. Genet. 2010 47(7): 476-85. PMID: 20591885. Wu et al. Fibrillin domain folding and calcium binding: significance to Marfan syndrome. Chem. Biol. 1995 2(2):91-7. PMID: 9383409.

Literature cited by the submitters: PubMed 16905551 (cited by Labcorp Genetics (formerly Invitae), Labcorp); PubMed 19349279 (cited by Labcorp Genetics (formerly Invitae), Labcorp); PubMed 16571647 (cited by Labcorp Genetics (formerly Invitae), Labcorp); PubMed 17701892 (cited by Labcorp Genetics (formerly Invitae), Labcorp); PubMed 18087243 (cited by Labcorp Genetics (formerly Invitae), Labcorp); PubMed 19839986 (cited by Labcorp Genetics (formerly Invitae), Labcorp).